The following is an entry in ClinVar:

NM_000789.4(ACE):c.914A>G (p.Asn305Ser)

Gene: ACE (angiotensin I converting enzyme; plus strand). Cytogenetic location: 17q23.3.
Variant type: single nucleotide variant.
Coding change: c.914A>G on transcript NM_000789.4 (MANE Select); coding-DNA position 914, A replaced by G.
Protein change: p.Asn305Ser; replaces asparagine 305 with serine.
Molecular consequence: missense variant. On other transcripts: synonymous variant (1).
Genome position (GRCh38, 1-based): chr17:63,481,157, A>G. VCF-style: chr17-63481157-A-G. GRCh37 (hg19) VCF-style: chr17-61558518-A-G.
Other names: c.441A>G, p.Gln147= (NM_001382700.1); c.62A>G, p.Asn21Ser (NM_001382701.1); short protein forms N21S, N305S.
Identifiers: ClinVar variation 2192328 (VCV002192328.4), dbSNP rs141186617, ClinGen allele CA8699292.

ClinVar aggregate classification (germline): Uncertain significance (1 of 4 stars; one submission).

Allele frequency attached by ClinVar (database versions not stated): ESP Exome Variant Server 0.00008; gnomAD 0.00009; TOPMed 0.00011.

Submission:

Labcorp Genetics (formerly Invitae), Labcorp
Classification: Uncertain significance. Last evaluated: 2025-06-12. Review status: criteria provided, single submitter. Criteria: Invitae Variant Classification Sherloc (09022015). Collection method: clinical testing. Allele origin: germline.
Comment: This sequence change replaces asparagine, which is neutral and polar, with serine, which is neutral and polar, at codon 305 of the ACE protein (p.Asn305Ser). This variant is present in population databases (rs141186617, gnomAD 0.03%). This variant has not been reported in the literature in individuals affected with ACE-related conditions. ClinVar contains an entry for this variant (Variation ID: 2192328). Invitae Evidence Modeling of protein sequence and biophysical properties (such as structural, functional, and spatial information, amino acid conservation, physicochemical variation, residue mobility, and thermodynamic stability) indicates that this missense variant is not expected to disrupt ACE protein function with a negative predictive value of 80%. In summary, the available evidence is currently insufficient to determine the role of this variant in disease. Therefore, it has been classified as a Variant of Uncertain Significance.